The following is an entry in ClinVar:

ClinVar aggregate classification (germline): Uncertain significance (1 of 4 stars; one submission).

Submission:

Labcorp Genetics (formerly Invitae), Labcorp
Classification: Uncertain significance. Last evaluated: 2021-03-26. Review status: criteria provided, single submitter. Criteria: Invitae Variant Classification Sherloc (09022015). Collection method: clinical testing. Allele origin: germline.
Comment: In summary, the available evidence is currently insufficient to determine the role of this variant in disease. Therefore, it has been classified as a Variant of Uncertain Significance. Experimental studies and prediction algorithms are not available or were not evaluated, and the functional significance of this variant is currently unknown. This variant has not been reported in the literature in individuals with MTOR-related conditions. This variant results in a copy number gain of the genomic region encompassing exon(s) 33-49 of the MTOR gene. While the exact position of this variant cannot be determined from the data, sub-genic copy number gains are generally in tandem (PMID: 25640679). This variant is predicted to be in-frame, and likely preserves the integrity of the reading frame.

Literature cited by the submitters: PubMed 25640679.

NC_000001.10:g.(?_11181283)_(11205122_?)dup

Gene: MTOR (mechanistic target of rapamycin kinase; minus strand). Cytogenetic location: 1p36.22.
Variant type: Duplication.
Identifiers: ClinVar variation 1400638 (VCV001400638.4).